The following is an entry in ClinVar:

ClinVar aggregate classification (germline): Uncertain significance (1 of 4 stars; one submission).

Submission:

CeGaT Center for Human Genetics Tuebingen
Classification: Uncertain significance. Last evaluated: 2022-05-01. Review status: criteria provided, single submitter. Criteria: CeGaT Center For Human Genetics Tuebingen Variant Classification Criteria Version 2. Collection method: clinical testing. Allele origin: germline. Affected: yes. Observed: 1 variant allele.
Comment: PPP2R1A: PM2, PP2

NM_014225.6(PPP2R1A):c.904G>A (p.Ala302Thr)

Gene: PPP2R1A (protein phosphatase 2 scaffold subunit Aalpha; plus strand). Cytogenetic location: 19q13.41.
Variant type: single nucleotide variant.
Coding change: c.904G>A on transcript NM_014225.6 (MANE Select); coding-DNA position 904, G replaced by A.
Protein change: p.Ala302Thr; replaces alanine 302 with threonine.
Molecular consequence: missense variant. On other transcripts: non-coding transcript variant (1).
Genome position (GRCh38, 1-based): chr19:52,215,875, G>A. VCF-style: chr19-52215875-G-A. GRCh37 (hg19) VCF-style: chr19-52719128-G-A.
Other names: c.367G>A, p.Ala123Thr (NM_001363656.2); short protein forms A123T, A302T.
Identifiers: ClinVar variation 1694938 (VCV001694938.31), dbSNP rs2122348708, ClinGen allele CA407186521.